The following is an entry in ClinVar:

ClinVar aggregate classification (germline): Conflicting classifications of pathogenicity. Review status: criteria provided, conflicting classifications (1 of 4 stars). 2 submissions from 2 submitters: Uncertain significance (1); Likely benign (1). Last evaluated 2026-04-16.

Conditions:
Neurofibromatosis, type 1 (NF1). Also called: Peripheral type neurofibromatosis; NEUROFIBROMATOSIS, TYPE I, SOMATIC; Neurofibromatosis, type I; VON RECKLINGHAUSEN DISEASE. Identifiers: Orphanet 636, MedGen C0027831, MONDO:0018975, OMIM 162200. Disease mechanism: loss of function.
Cardiovascular phenotype. Identifiers: MedGen CN230736.
Hereditary cancer-predisposing syndrome. Also called: Neoplastic Syndromes, Hereditary; Tumor predisposition; Hereditary Cancer Syndrome; Hereditary neoplastic syndrome. Identifiers: Orphanet 140162, MedGen C0027672, MeSH D009386, MONDO:0015356.

Submissions (2):

Ambry Genetics
Classification: Likely benign for Cardiovascular phenotype; Hereditary cancer-predisposing syndrome. Last evaluated: 2026-04-16. Review status: criteria provided, single submitter. Criteria: Ambry Variant Classification Scheme 2023. Collection method: clinical testing. Allele origin: germline.

Labcorp Genetics (formerly Invitae), Labcorp
Classification: Uncertain significance for Neurofibromatosis, type 1. Last evaluated: 2024-09-18. Review status: criteria provided, single submitter. Criteria: Invitae Variant Classification Sherloc (09022015). Collection method: clinical testing. Allele origin: germline.
Comment: This sequence change replaces aspartic acid, which is acidic and polar, with glutamic acid, which is acidic and polar, at codon 556 of the NF1 protein (p.Asp556Glu). This variant is not present in population databases (gnomAD no frequency). This variant has not been reported in the literature in individuals affected with NF1-related conditions. ClinVar contains an entry for this variant (Variation ID: 1777625). An algorithm developed to predict the effect of missense changes on protein structure and function outputs the following: PolyPhen-2: "Benign". The glutamic acid amino acid residue is found in multiple mammalian species, which suggests that this missense change does not adversely affect protein function. In summary, the available evidence is currently insufficient to determine the role of this variant in disease. Therefore, it has been classified as a Variant of Uncertain Significance.

NM_001042492.3(NF1):c.1668T>G (p.Asp556Glu)

Gene: NF1 (neurofibromin 1; plus strand). Cytogenetic location: 17q11.2.
Variant type: single nucleotide variant.
Coding change: c.1668T>G on transcript NM_001042492.3 (MANE Select); coding-DNA position 1668, T replaced by G.
Protein change: p.Asp556Glu; replaces aspartic acid 556 with glutamic acid.
Molecular consequence: missense variant.
Genome position (GRCh38, 1-based): chr17:31,221,876, T>G. VCF-style: chr17-31221876-T-G. GRCh37 (hg19) VCF-style: chr17-29548894-T-G.
Other names: c.1668T>G, p.Asp556Glu (NM_000267.4, NM_001128147.3); short protein forms D556E.
Identifiers: ClinVar variation 1777625 (VCV001777625.5), dbSNP rs1597706678, ClinGen allele CA399002261.